The following is an entry in ClinVar:

ClinVar aggregate classification (germline): Uncertain significance. Review status: criteria provided, multiple submitters, no conflicts (2 of 4 stars). 2 submissions from 2 submitters: Uncertain significance (2). Last evaluated 2025-07-03.

Conditions:
Hereditary cancer-predisposing syndrome. Also called: Tumor predisposition; Hereditary neoplastic syndrome; Neoplastic Syndromes, Hereditary; Hereditary Cancer Syndrome. Identifiers: Orphanet 140162, MedGen C0027672, MeSH D009386, MONDO:0015356.

Submissions (2):

Ambry Genetics
Classification: Uncertain significance for Hereditary cancer-predisposing syndrome. Last evaluated: 2025-07-03. Review status: criteria provided, single submitter. Criteria: Ambry Variant Classification Scheme 2023. Collection method: clinical testing. Allele origin: germline.
Comment: The p.M51L variant (also known as c.151A>T), located in coding exon 1 of the STK11 gene, results from an A to T substitution at nucleotide position 151. The methionine at codon 51 is replaced by leucine, an amino acid with highly similar properties. This amino acid position is highly conserved in available vertebrate species. In addition, the in silico prediction for this alteration is inconclusive. Based on the available evidence, the clinical significance of this variant remains unclear.

Color Diagnostics, LLC DBA Color Health
Classification: Uncertain significance for Hereditary cancer-predisposing syndrome. Last evaluated: 2024-08-05. Review status: criteria provided, single submitter. Criteria: ACMG Guidelines, 2015. Collection method: clinical testing. Allele origin: germline.
Comment: This missense variant replaces methionine with leucine at codon 51 of the STK11 protein. Computational prediction suggests that this variant may not impact protein structure and function (internally defined REVEL score threshold <= 0.5, PMID: 27666373). To our knowledge, functional studies have not been reported for this variant. This variant has not been reported in individuals affected with STK11-related disorders in the literature. This variant has not been identified in the general population by the Genome Aggregation Database (gnomAD). The available evidence is insufficient to determine the role of this variant in disease conclusively. Therefore, this variant is classified as a Variant of Uncertain Significance.

NM_000455.5(STK11):c.151A>T (p.Met51Leu)

Gene: STK11 (serine/threonine kinase 11; plus strand). Cytogenetic location: 19p13.3.
Variant type: single nucleotide variant.
Coding change: c.151A>T on transcript NM_000455.5 (MANE Select); coding-DNA position 151, A replaced by T.
Protein change: p.Met51Leu; replaces methionine 51 with leucine.
Molecular consequence: missense variant.
Genome position (GRCh38, 1-based): chr19:1,207,064, A>T. VCF-style: chr19-1207064-A-T. GRCh37 (hg19) VCF-style: chr19-1207063-A-T.
Other names: short protein forms M51L.
Identifiers: ClinVar variation 819421 (VCV000819421.6), dbSNP rs730881986, ClinGen allele CA402944074.